The following is an entry in ClinVar:

ClinVar aggregate classification (germline): Benign. Review status: criteria provided, multiple submitters, no conflicts (2 of 4 stars). 2 submissions from 2 submitters: Benign (2). Last evaluated 2018-06-14.

Allele frequency attached by ClinVar (database versions not stated): 1000 Genomes Project 30x 0.02592; TOPMed 0.03377; 1000 Genomes Project 0.02456; ESP Exome Variant Server 0.03683.
gnomAD v4.1: 8,116 of 477,364 alleles (1.7%); highest among the groups gnomAD compares: African/African-American, 16%; 361 homozygotes.

Submissions (2):

GeneDx
Classification: Benign. Last evaluated: 2018-06-14. Review status: criteria provided, single submitter. Criteria: GeneDx Variant Classification (06012015). Collection method: clinical testing. Allele origin: germline. Affected: yes.
Comment: This variant is considered likely benign or benign based on one or more of the following criteria: it is a conservative change, it occurs at a poorly conserved position in the protein, it is predicted to be benign by multiple in silico algorithms, and/or has population frequency not consistent with disease.

Breakthrough Genomics
Classification: Benign. Review status: criteria provided, single submitter. Criteria: ACMG Guidelines, 2015. Collection method: not provided. Allele origin: germline. Inheritance: Autosomal dominant inheritance. Affected: yes.

NM_006514.4(SCN10A):c.2106+44C>T

Gene: SCN10A (sodium voltage-gated channel alpha subunit 10; minus strand). Cytogenetic location: 3p22.2.
Variant type: single nucleotide variant.
Coding change: c.2106+44C>T on transcript NM_006514.4 (MANE Select); 44 bases into the intron after coding-DNA position 2106, C replaced by T.
Molecular consequence: intron variant.
Genome position (GRCh38, 1-based): chr3:38,742,247, G>A on the plus strand (C>T on the coding strand, the complement: SCN10A is on the minus strand). VCF-style: chr3-38742247-G-A. GRCh37 (hg19) VCF-style: chr3-38783738-G-A.
Other names: c.1812+44C>T (NM_001293307.2); c.2106+44C>T (NM_001293306.2).
Identifiers: ClinVar variation 676683 (VCV000676683.2), dbSNP rs72866260, ClinGen allele CA2320644.